The following is an entry in ClinVar:

ClinVar aggregate classification (germline): Uncertain significance (1 of 4 stars; one submission).

gnomAD v4.1: 169 of 1,611,336 alleles (0.01%); highest among the groups gnomAD compares: Non-Finnish European, 0.013%; no homozygotes.

Submission:

Labcorp Genetics (formerly Invitae), Labcorp
Classification: Uncertain significance. Last evaluated: 2024-10-06. Review status: criteria provided, single submitter. Criteria: Invitae Variant Classification Sherloc (09022015). Collection method: clinical testing. Allele origin: germline.
Comment: This sequence change creates a premature translational stop signal (p.Arg16*) in the GPR161 gene. It is expected to result in an absent or disrupted protein product. However, the current clinical and genetic evidence is not sufficient to establish whether loss-of-function variants in GPR161 cause disease. This variant is present in population databases (rs762454556, gnomAD 0.01%). This variant has not been reported in the literature in individuals affected with GPR161-related conditions. Algorithms developed to predict the effect of sequence changes on RNA splicing suggest that this variant may disrupt the consensus splice site. In summary, the available evidence is currently insufficient to determine the role of this variant in disease. Therefore, it has been classified as a Variant of Uncertain Significance.

NM_001375883.1(GPR161):c.-15C>T

Gene: GPR161 (G protein-coupled receptor 161; minus strand). Cytogenetic location: 1q24.2.
Variant type: single nucleotide variant.
Coding change: c.-15C>T on transcript NM_001375883.1 (MANE Select); 15 bases upstream of the start codon, C replaced by T.
Molecular consequence: 5 prime UTR variant. On other transcripts: nonsense (2), intron variant (4).
Genome position (GRCh38, 1-based): chr1:168,104,865, G>A on the plus strand (C>T on the coding strand, the complement: GPR161 is on the minus strand). VCF-style: chr1-168104865-G-A. GRCh37 (hg19) VCF-style: chr1-168074103-G-A.
Other names: c.-15C>T (NM_001375885.1, NM_001381909.1, NM_153832.3 and 5 more transcripts); c.37C>T, p.Arg13Ter (NM_001267611.1); c.46C>T, p.Arg16Ter (NM_001267609.1); c.-22-7633C>T (NM_001349635.1, NM_001267612.2); c.33-7633C>T (NM_001267614.1); c.141-7633C>T (NM_001267613.1); short protein forms R16*, R13*.
Identifiers: ClinVar variation 3645682 (VCV003645682.2).